The following is an entry in ClinVar:

NM_001458.5(FLNC):c.5049dup (p.Thr1684fs)

Gene: FLNC (filamin C; plus strand). Cytogenetic location: 7q32.1.
Variant type: Duplication.
Coding change: c.5049dup on transcript NM_001458.5 (MANE Select); coding-DNA position 5049, one base duplicated (C; older notation c.5049dupC).
Protein change: p.Thr1684fs; shifts the reading frame from threonine 1684.
Molecular consequence: frameshift variant.
Genome position (GRCh38, 1-based): chr7:128,849,428, C duplicated; the last of 2 consecutive C bases (chr7:128,849,427-128,849,428); duplicating either gives the same sequence. VCF-style (leftmost placement, unchanged base first): chr7-128849426-T-TC. GRCh37 (hg19) VCF-style: chr7-128489480-T-TC.
Other names: c.5049dupC (NM_001458.4); c.5049dup, p.Thr1684fs (NM_001127487.2); short protein forms T1684fs.
Identifiers: ClinVar variation 3221735 (VCV003221735.3), dbSNP rs2536650493, ClinGen allele CA2825001532.
Genomic context (GRCh38, chr7:128,849,426, plus strand): 5'-GAGACGGTGATCACGGTGGATGCCAAGGCAGCCGGTGAGGGGAAGGTGACATGCACGGTG[T>TC]CCACGCCGGATGGGGCAGAGCTCGATGTGGATGTGGTTGAGAACCATGACGGTACCTTTG-3'

ClinVar aggregate classification (germline): Pathogenic. Review status: criteria provided, multiple submitters, no conflicts (2 of 4 stars). 2 submissions from 2 submitters: Pathogenic (2). Last evaluated 2024-04-20.

Conditions:
Cardiovascular phenotype. Identifiers: MedGen CN230736.
Distal myopathy with posterior leg and anterior hand involvement. Also called: WILLIAMS DISTAL MYOPATHY. Identifiers: Orphanet 63273, MedGen C3279722, MONDO:0013550, OMIM 614065.
Hypertrophic cardiomyopathy 26. Also called: Cardiomyopathy, familial hypertrophic, 26. Identifiers: Orphanet 75249, MedGen C4310749, MONDO:0014883, OMIM 617047.
Myofibrillar myopathy 5. Also called: FILAMINOPATHY, AUTOSOMAL DOMINANT; Filaminopathy (type). Identifiers: Orphanet 171445, MedGen C1836050, MONDO:0012289, OMIM 609524.

Submissions (2):

Labcorp Genetics (formerly Invitae), Labcorp
Classification: Pathogenic for Distal myopathy with posterior leg and anterior hand involvement; Myofibrillar myopathy 5; Hypertrophic cardiomyopathy 26. Last evaluated: 2024-04-20. Review status: criteria provided, single submitter. Criteria: Invitae Variant Classification Sherloc (09022015). Collection method: clinical testing. Allele origin: germline.
Comment: This sequence change creates a premature translational stop signal (p.Thr1684Hisfs*13) in the FLNC gene. It is expected to result in an absent or disrupted protein product. Loss-of-function variants in FLNC are known to be pathogenic (PMID: 27908349). This variant is not present in population databases (gnomAD no frequency). This variant has not been reported in the literature in individuals affected with FLNC-related conditions. Algorithms developed to predict the effect of sequence changes on RNA splicing suggest that this variant may create or strengthen a splice site. For these reasons, this variant has been classified as Pathogenic.

Ambry Genetics
Classification: Pathogenic for Cardiovascular phenotype. Last evaluated: 2023-11-01. Review status: criteria provided, single submitter. Criteria: Ambry Variant Classification Scheme 2023. Collection method: clinical testing. Allele origin: germline.
Comment: The c.5049dupC pathogenic mutation, located in coding exon 30 of the FLNC gene, results from a duplication of C at nucleotide position 5049, causing a translational frameshift with a predicted alternate stop codon (p.T1684Hfs*13). This variant is considered to be rare based on population cohorts in the Genome Aggregation Database (gnomAD). This alteration is expected to result in loss of function by premature protein truncation or nonsense-mediated mRNA decay. Based on the supporting evidence, this variant is expected to be causative of FLNC-related dilated cardiomyopathy; however, its clinical significance for FLNC-related hypertrophic/restrictive cardiomyopathy and/or skeletal myopathy is unclear.

Literature cited by the submitters: PubMed 27908349 (cited by Labcorp Genetics (formerly Invitae), Labcorp).